The following is an entry in ClinVar:

NM_000062.3(SERPING1):c.1195C>A (p.Pro399Thr)

Gene: SERPING1 (serpin family G member 1; plus strand). Cytogenetic location: 11q12.1.
Variant type: single nucleotide variant.
Coding change: c.1195C>A on transcript NM_000062.3 (MANE Select); coding-DNA position 1195, C replaced by A.
Protein change: p.Pro399Thr; replaces proline 399 with threonine.
Molecular consequence: missense variant.
Genome position (GRCh38, 1-based): chr11:57,611,882, C>A. VCF-style: chr11-57611882-C-A. GRCh37 (hg19) VCF-style: chr11-57379355-C-A.
Other names: c.1195C>A, p.Pro399Thr (NM_001032295.2); short protein forms P399T.
Identifiers: ClinVar variation 2834287 (VCV002834287.3), dbSNP rs2135324767, ClinGen allele CA380703339.
Genomic context (GRCh38, chr11:57,611,882, plus strand): 5'-TTCAAGGCCATCATGGAGAAACTGGAGATGTCCAAGTTCCAGCCCACTCTCCTAACACTA[C>A]CCCGCATCAAAGTGACGACCAGCCAGGATATGCTCTCAATCATGGAGAAATTGGGTGAGC-3'
Protein context (NP_000053.2, residues 389-409): SKFQPTLLTL[Pro399Thr]RIKVTTSQDM

ClinVar aggregate classification (germline): Uncertain significance (1 of 4 stars; one submission).

Submission:

Labcorp Genetics (formerly Invitae), Labcorp
Classification: Uncertain significance. Last evaluated: 2024-01-19. Review status: criteria provided, single submitter. Criteria: Invitae Variant Classification Sherloc (09022015). Collection method: clinical testing. Allele origin: germline.
Comment: This sequence change replaces proline, which is neutral and non-polar, with threonine, which is neutral and polar, at codon 399 of the SERPING1 protein (p.Pro399Thr). This variant is not present in population databases (gnomAD no frequency). This missense change has been observed in individual(s) with hereditary angioedema (Invitae). Advanced modeling of protein sequence and biophysical properties (such as structural, functional, and spatial information, amino acid conservation, physicochemical variation, residue mobility, and thermodynamic stability) performed at Invitae indicates that this missense variant is expected to disrupt SERPING1 protein function with a positive predictive value of 80%. This variant disrupts the p.Pro399 amino acid residue in SERPING1. Other variant(s) that disrupt this residue have been determined to be pathogenic (PMID: 15971231, 18758157, 21864911). This suggests that this residue is clinically significant, and that variants that disrupt this residue are likely to be disease-causing. In summary, the available evidence is currently insufficient to determine the role of this variant in disease. Therefore, it has been classified as a Variant of Uncertain Significance.

Literature cited by the submitters: PubMed 15971231; PubMed 18758157; PubMed 21864911.